The following is an entry in ClinVar:

NM_000548.5(TSC2):c.2166dup (p.Ile723fs)

Gene: TSC2 (TSC complex subunit 2; plus strand). Cytogenetic location: 16p13.3.
Variant type: Duplication.
Coding change: c.2166dup on transcript NM_000548.5 (MANE Select); coding-DNA position 2166, one base duplicated (C; older notation c.2166dupC).
Protein change: p.Ile723fs; shifts the reading frame from isoleucine 723.
Molecular consequence: frameshift variant.
Genome position (GRCh38, 1-based): chr16:2,072,309, C duplicated. VCF-style (leftmost placement, unchanged base first): chr16-2072308-T-TC. GRCh37 (hg19) VCF-style: chr16-2122309-T-TC.
Other names: c.2166dup, p.Ile723fs (NM_001370404.1, NM_001370405.1, NM_021055.3 and 3 more transcripts); c.2055dup, p.Ile686fs (NM_001318827.2); c.2019dup, p.Ile674fs (NM_001318829.2); c.1566dup, p.Ile523fs (NM_001318831.2); c.2199dup, p.Ile734fs (NM_001318832.2); short protein forms I523fs, I674fs, I686fs, I723fs, I734fs.
Identifiers: ClinVar variation 1072368 (VCV001072368.7), dbSNP rs2151318037, ClinGen allele CA2499223297.

ClinVar aggregate classification (germline): Pathogenic (1 of 4 stars; one submission).

Conditions:
Tuberous sclerosis 2 (TSC2). Identifiers: Orphanet 805, MedGen C1860707, MONDO:0013199, OMIM 613254.

Submission:

Labcorp Genetics (formerly Invitae), Labcorp
Classification: Pathogenic for Tuberous sclerosis 2. Last evaluated: 2020-09-24. Review status: criteria provided, single submitter. Criteria: Invitae Variant Classification Sherloc (09022015). Collection method: clinical testing. Allele origin: germline.
Comment: For these reasons, this variant has been classified as Pathogenic. Loss-of-function variants in TSC2 are known to be pathogenic (PMID: 10205261, 17304050). This variant has not been reported in the literature in individuals with TSC2-related conditions. This variant is not present in population databases (ExAC no frequency). This sequence change creates a premature translational stop signal (p.Ile723Hisfs*39) in the TSC2 gene. It is expected to result in an absent or disrupted protein product.

Literature cited by the submitters: PubMed 10205261; PubMed 17304050.